The following is an entry in ClinVar:

ClinVar aggregate classification (germline): Uncertain significance (1 of 4 stars; one submission).

Submission:

Labcorp Genetics (formerly Invitae), Labcorp
Classification: Uncertain significance. Last evaluated: 2021-03-09. Review status: criteria provided, single submitter. Criteria: Invitae Variant Classification Sherloc (09022015). Collection method: clinical testing. Allele origin: germline.
Comment: A copy number gain of the genomic region encompassing the full coding sequence of the POLA1 gene has been identified. The boundaries of this event are unknown as they extend beyond the assayed region for this gene and therefore may encompass additional genes. As the precise location of this event is unknown, it may be in tandem or it may be located elsewhere in the genome. This variant has not been reported in the literature in individuals with POLA1-related conditions. In summary, the available evidence is currently insufficient to determine the role of this variant in disease. Therefore, it has been classified as a Variant of Uncertain Significance.

NC_000023.10:g.(?_24712079)_(25014067_?)dup

Gene: POLA1 (DNA polymerase alpha 1, catalytic subunit; plus strand). Cytogenetic location: Xp22.11-21.3.
Variant type: Duplication.
Identifiers: ClinVar variation 1450649 (VCV001450649.1).